The following is an entry in ClinVar:

ClinVar aggregate classification (germline): Conflicting classifications of pathogenicity. Review status: criteria provided, conflicting classifications (1 of 4 stars). 3 submissions from 3 submitters: Uncertain significance (1); Likely benign (2). Last evaluated 2026-07-01.

Allele frequency attached by ClinVar (database versions not stated): ExAC 0.00002; gnomAD exomes 0.00003 and 0.00004; TOPMed 0.00003; gnomAD 0.00005 and 0.00006.
gnomAD v4.1: 67 of 1,614,060 alleles (0.0042%); highest among the groups gnomAD compares: Middle Eastern, 0.016%; no homozygotes.

Submissions (3):

CeGaT Center for Human Genetics Tuebingen
Classification: Likely benign. Last evaluated: 2026-07-01. Review status: criteria provided, single submitter. Criteria: CeGaT Center For Human Genetics Tuebingen Variant Classification Criteria Version 2. Collection method: clinical testing. Allele origin: germline. Affected: yes. Observed: 3 variant alleles.
Comment: KMT2A: BS2

Labcorp Genetics (formerly Invitae), Labcorp
Classification: Uncertain significance. Last evaluated: 2026-01-05. Review status: criteria provided, single submitter. Criteria: Invitae Variant Classification Sherloc (09022015). Collection method: clinical testing. Allele origin: germline.
Comment: This sequence change replaces lysine, which is basic and polar, with arginine, which is basic and polar, at codon 895 of the KMT2A protein (p.Lys895Arg). This variant is present in population databases (rs200600434, gnomAD 0.006%). This variant has not been reported in the literature in individuals affected with KMT2A-related conditions. ClinVar contains an entry for this variant (Variation ID: 1335086). Invitae Evidence Modeling of protein sequence and biophysical properties (such as structural, functional, and spatial information, amino acid conservation, physicochemical variation, residue mobility, and thermodynamic stability) indicates that this missense variant is not expected to disrupt KMT2A protein function with a negative predictive value of 95%. In summary, the available evidence is currently insufficient to determine the role of this variant in disease. Therefore, it has been classified as a Variant of Uncertain Significance.

Blueprint Genetics
Classification: Likely benign. Last evaluated: 2024-05-14. Review status: criteria provided, single submitter. Criteria: ACMG Guidelines, 2015. Collection method: clinical testing. Allele origin: germline.

NM_001197104.2(KMT2A):c.2684A>G (p.Lys895Arg)

Gene: KMT2A (lysine methyltransferase 2A; plus strand). Cytogenetic location: 11q23.3.
Variant type: single nucleotide variant.
Coding change: c.2684A>G on transcript NM_001197104.2 (MANE Select); coding-DNA position 2684, A replaced by G.
Protein change: p.Lys895Arg; replaces lysine 895 with arginine.
Molecular consequence: missense variant.
Genome position (GRCh38, 1-based): chr11:118,473,843, A>G. VCF-style: chr11-118473843-A-G. GRCh37 (hg19) VCF-style: chr11-118344558-A-G.
Other names: c.2684A>G, p.Lys895Arg (NM_005933.4); short protein forms K895R.
Identifiers: ClinVar variation 1335086 (VCV001335086.42), dbSNP rs200600434, ClinGen allele CA6303543.